The following is an entry in ClinVar:

NM_001323289.2(CDKL5):c.404-2A>G

Gene: CDKL5 (cyclin dependent kinase like 5; plus strand). Cytogenetic location: Xp22.13.
Variant type: single nucleotide variant.
Coding change: c.404-2A>G on transcript NM_001323289.2 (MANE Select); the canonical splice acceptor site of the intron before coding-DNA position 404, A replaced by G.
Molecular consequence: splice acceptor variant.
Genome position (GRCh38, 1-based): chrX:18,581,889, A>G. VCF-style: chrX-18581889-A-G. GRCh37 (hg19) VCF-style: chrX-18600009-A-G.
Other names: c.404-2A>G (NM_003159.3, NM_001037343.2, NM_001323289.1).
Identifiers: ClinVar variation 156599 (VCV000156599.13), dbSNP rs587783080, ClinGen allele CA294596.

ClinVar aggregate classification (germline): Pathogenic. Review status: criteria provided, multiple submitters, no conflicts (2 of 4 stars). 4 submissions from 4 submitters: Pathogenic (4). Last evaluated 2025-01-08.

Conditions:
CDKL5 disorder. Identifiers: MedGen CN296942, MONDO:0100039.
Developmental and epileptic encephalopathy, 2 (DEE2). Also called: INFANTILE SPASM SYNDROME, X-LINKED 2; CDKL5 deficiency disorder. Identifiers: Orphanet 1934, Orphanet 3451, Orphanet 505652, MedGen C4750718, MONDO:0010396, OMIM 300672.
Angelman syndrome-like. Identifiers: MedGen CN128785.

Submissions (4):

Centre for Population Genomics, CPG
Classification: Pathogenic for CDKL5 disorder. Last evaluated: 2025-01-08. Review status: criteria provided, single submitter. Criteria: McKnight et al. (Hum Mutat. 2022). Collection method: curation. Allele origin: germline. Inheritance: X-linked inheritance.
Comment: Based on the classification scheme defined by the ClinGen Rett/Angelman-like Expert Panel for Rett/AS-like Disorders Specifications to the ACMG/AMP Variant Interpretation Guidelines VCEP 3.0, this variant is classified as pathogenic. At least the following criteria are met:Predicted to result in loss of function, and LOF is a known mechanism of disease (PVS1). This variant is absent from gnomAD (PM2_Supporting). Has been observed in at least 2 individuals with phenotypes consistent with CDKL5 disorder (PS4_Supporting) (PMID: 33436160, 38874638).

Victorian Clinical Genetics Services, Murdoch Childrens Research Institute
Classification: Pathogenic for Developmental and epileptic encephalopathy, 2. Last evaluated: 2023-07-16. Review status: criteria provided, single submitter. Criteria: ACMG Guidelines, 2015. Collection method: clinical testing. Allele origin: germline. Inheritance: X-linked dominant inheritance. Affected: yes.
Comment: Based on the classification scheme VCGS_Germline_v1.3.4, this variant is classified as Pathogenic. Following criteria are met: 0102 - Loss of function is a known mechanism of disease in this gene and is associated with developmental and epileptic encephalopathy 2 (MIM#300672). (I) 0110 - This gene is associated with X-linked dominant disease. (I) 0115 - Variants in this gene are known to have variable expressivity. Variable expressivity is reported to be dependent on the variant type and position, X-chromosome inactivation in females or post-zygotic mosaicism in males (PMID: 33989939). (I) 0211 - Canonical splice site variant without proven consequence on splicing (no functional evidence available). (SP) 0251 - This variant is heterozygous. (I) 0301 - Variant is absent from gnomAD (both v2 and v3). (SP) 0505 - Abnormal splicing is predicted by in silico tools and affected nucleotide is highly conserved. (SP) 0702 - Other variants comparable to the one identified in this case have strong previous evidence for pathogenicity. The c.404-1G>T canonical splice variant has been classified as pathogenic by GeneDx and RettBASE and has been reported in one individual with a diagnosis of West syndrome (ClinVar; PMID: 16611748). The c.404-1G>A canonical splice variant has been classified as pathogenic by RettBASE and has been reported in individuals with early-onset epileptic encephalopathy (PMIDs: 21309761, 22872100, 27081548). (SP) 0802 - This variant has moderate previous evidence of pathogenicity in unrelated individuals. (SP) 0905 - No published segregation evidence has been identified for this variant. (I) 1007 - No published functional evidence has been identified for this variant. (I) 1208 - Inheritance information for this variant is not currently available in this individual. (I) Legend: (SP) - Supporting pathogenic, (I) - Information, (SB) - Supporting benign

Labcorp Genetics (formerly Invitae), Labcorp
Classification: Pathogenic for Developmental and epileptic encephalopathy, 2; Angelman syndrome-like. Last evaluated: 2022-08-22. Review status: criteria provided, single submitter. Criteria: Invitae Variant Classification Sherloc (09022015). Collection method: clinical testing. Allele origin: germline.
Comment: For these reasons, this variant has been classified as Pathogenic. Algorithms developed to predict the effect of sequence changes on RNA splicing suggest that this variant may disrupt the consensus splice site. ClinVar contains an entry for this variant (Variation ID: 156599). Disruption of this splice site has been observed in individual(s) with clinical features of epileptic encephalopathy (PMID: 16611748, 27081548, 29655203). In at least one individual the variant was observed to be de novo. This variant is not present in population databases (gnomAD no frequency). This sequence change affects an acceptor splice site in intron 6 of the CDKL5 gene. It is expected to disrupt RNA splicing. Variants that disrupt the donor or acceptor splice site typically lead to a loss of protein function (PMID: 16199547), and loss-of-function variants in CDKL5 are known to be pathogenic (PMID: 22872100).

GeneDx
Classification: Pathogenic. Last evaluated: 2017-03-15. Review status: criteria provided, single submitter. Criteria: GeneDx Variant Classification (06012015). Collection method: clinical testing. Allele origin: germline. Affected: yes.
Comment: The c.404-2 A>G splice site variant in the CDKL5 gene destroys the canonical splice acceptor site in intron 6 and is predicted to cause abnormal gene splicing, either leading to an abnormal message that is subject to nonsense-mediated mRNA decay, or to an abnormal protein product if the message is used for protein translation. Although this pathogenic variant has not been previously reported to our knowledge, other nearby splice site variants have been reported in association with CDKL5-related disorders (RettBASE).

Literature cited by the submitters: PubMed 16611748 (cited by Victorian Clinical Genetics Services, Murdoch Childrens Research Institute and Labcorp Genetics (formerly Invitae), Labcorp); PubMed 21309761 (cited by Victorian Clinical Genetics Services, Murdoch Childrens Research Institute); PubMed 22872100 (cited by Victorian Clinical Genetics Services, Murdoch Childrens Research Institute and Labcorp Genetics (formerly Invitae), Labcorp); PubMed 27081548 (cited by Victorian Clinical Genetics Services, Murdoch Childrens Research Institute and Labcorp Genetics (formerly Invitae), Labcorp); PubMed 29264392 (cited by Victorian Clinical Genetics Services, Murdoch Childrens Research Institute); PubMed 33436160 (cited by Victorian Clinical Genetics Services, Murdoch Childrens Research Institute); PubMed 33989939 (cited by Victorian Clinical Genetics Services, Murdoch Childrens Research Institute); PubMed 29655203 (cited by Labcorp Genetics (formerly Invitae), Labcorp); PubMed 16199547 (cited by Labcorp Genetics (formerly Invitae), Labcorp).